The following is an entry in ClinVar:

ClinVar aggregate classification (germline): Uncertain significance (0 of 4 stars; one submission).

Conditions:
LRRC45-related disorder. Also called: LRRC45-related condition.

gnomAD v4.1: 1 of 1,612,316 alleles (0.000062%); highest among the groups gnomAD compares: Non-Finnish European, 0.000085%; no homozygotes.

Submission:

PreventionGenetics, part of Exact Sciences
Classification: Uncertain significance for LRRC45-related condition. Last evaluated: 2024-09-20. Review status: no assertion criteria provided. Collection method: clinical testing. Allele origin: germline.
Comment: The LRRC45 c.282+1G>T variant is predicted to disrupt the GT donor site and interfere with normal splicing. To our knowledge, this variant has not been reported in the literature or in a large population database, indicating this variant is rare. At this time, the clinical significance of this variant is uncertain due to the absence of conclusive functional and genetic evidence.

NM_144999.4(LRRC45):c.282+1G>T

Gene: LRRC45 (leucine rich repeat containing 45; plus strand). Cytogenetic location: 17q25.3.
Variant type: single nucleotide variant.
Coding change: c.282+1G>T on transcript NM_144999.4 (MANE Select); the canonical splice donor site of the intron after coding-DNA position 282, G replaced by T.
Molecular consequence: splice donor variant.
Genome position (GRCh38, 1-based): chr17:82,024,340, G>T. VCF-style: chr17-82024340-G-T. GRCh37 (hg19) VCF-style: chr17-79982216-G-T.
Identifiers: ClinVar variation 3344688 (VCV003344688.1).
Genomic context (GRCh38, chr17:82,024,340, plus strand): 5'-GCCACACTGCTGCTCCGAGGCCTGTGTGCCAACACCGTGCTGCGCTTTCTGGACTTAAAG[G>T]TGAGATACCTGCACTCTTGAGTGTCCGAGTGTGCCACCCAAGGGCAAGAGGAGAGGTGGA-3'